The following is an entry in ClinVar:

ClinVar aggregate classification (germline): Uncertain significance (1 of 4 stars; one submission).

Conditions:
Hereditary cancer-predisposing syndrome. Also called: Neoplastic Syndromes, Hereditary; Tumor predisposition; Hereditary Cancer Syndrome; Hereditary neoplastic syndrome. Identifiers: Orphanet 140162, MedGen C0027672, MeSH D009386, MONDO:0015356.

Submission:

Ambry Genetics
Classification: Uncertain significance for Hereditary cancer-predisposing syndrome. Last evaluated: 2018-01-03. Review status: criteria provided, single submitter. Criteria: Ambry Variant Classification Scheme 2023. Collection method: clinical testing. Allele origin: germline.
Comment: The p.S682L variant (also known as c.2045C>T), located in coding exon 5 of the PALB2 gene, results from a C to T substitution at nucleotide position 2045. The serine at codon 682 is replaced by leucine, an amino acid with dissimilar properties. This amino acid position is poorly conserved in available vertebrate species. In addition, this alteration is predicted to be tolerated by in silico analysis. Since supporting evidence is limited at this time, the clinical significance of this alteration remains unclear.

NM_024675.4(PALB2):c.2045C>T (p.Ser682Leu)

Gene: PALB2 (partner and localizer of BRCA2; minus strand). Cytogenetic location: 16p12.2.
Variant type: single nucleotide variant.
Coding change: c.2045C>T on transcript NM_024675.4 (MANE Select); coding-DNA position 2045, C replaced by T.
Protein change: p.Ser682Leu; replaces serine 682 with leucine.
Molecular consequence: missense variant.
Genome position (GRCh38, 1-based): chr16:23,630,109, G>A on the plus strand (C>T on the coding strand, the complement: PALB2 is on the minus strand). VCF-style: chr16-23630109-G-A. GRCh37 (hg19) VCF-style: chr16-23641430-G-A.
Other names: short protein forms S682L.
Identifiers: ClinVar variation 820578 (VCV000820578.4), dbSNP rs1597090341, ClinGen allele CA395126866.